The following is an entry in ClinVar:

NM_007364.4(TMED3):c.168+1G>A

Gene: TMED3 (transmembrane p24 trafficking protein 3; plus strand). Cytogenetic location: 15q25.1.
Variant type: single nucleotide variant.
Coding change: c.168+1G>A on transcript NM_007364.4 (MANE Select); the canonical splice donor site of the intron after coding-DNA position 168, G replaced by A.
Molecular consequence: splice donor variant.
Genome position (GRCh38, 1-based): chr15:79,311,418, G>A. VCF-style: chr15-79311418-G-A. GRCh37 (hg19) VCF-style: chr15-79603760-G-A.
Other names: NC_000015.9:g.79603760G>A; c.168+1G>A (NM_001330376.2, NM_001301203.3, NM_001363735.2).
Identifiers: ClinVar variation 2645626 (VCV002645626.25), dbSNP rs141194056, ClinGen allele CA7689377.

ClinVar aggregate classification (germline): Likely benign (1 of 4 stars; one submission).

Allele frequency attached by ClinVar (database versions not stated): 1000 Genomes Project 30x 0.00016; 1000 Genomes Project 0.00020; TOPMed 0.00308; ESP Exome Variant Server 0.00316; gnomAD 0.00350; gnomAD exomes 0.00371; ExAC 0.00397.
gnomAD v4.1: 5,920 of 1,604,818 alleles (0.37%); highest among the groups gnomAD compares: Non-Finnish European, 0.42%; 21 homozygotes.

Submissions (24):

CeGaT Center for Human Genetics Tuebingen
Classification: Likely benign. Last evaluated: 2023-04-01. Review status: criteria provided, single submitter. Criteria: CeGaT Center For Human Genetics Tuebingen Variant Classification Criteria Version 2. Collection method: clinical testing. Allele origin: germline. Affected: yes. Observed: 1 variant allele.
Comment: TMED3: BS2

Dr. Peter K. Rogan Lab, Western University
No classification provided (evidence only). Condition: Malignant tumor of urinary bladder. Review status: no classification provided. Collection method: in vitro. Allele origin: not applicable. Functional consequence: retained intron. Not counted in ClinVar's aggregate classification.

Dr. Peter K. Rogan Lab, Western University
No classification provided (evidence only). Condition: Clear cell carcinoma of kidney. Review status: no classification provided. Collection method: in vitro. Allele origin: not applicable. Functional consequence: retained intron. Not counted in ClinVar's aggregate classification.

Dr. Peter K. Rogan Lab, Western University
No classification provided (evidence only). Condition: Lung cancer. Review status: no classification provided. Collection method: in vitro. Allele origin: not applicable. Functional consequence: retained intron. Not counted in ClinVar's aggregate classification.

Dr. Peter K. Rogan Lab, Western University
No classification provided (evidence only). Condition: Melanoma. Review status: no classification provided. Collection method: in vitro. Allele origin: not applicable. Functional consequence: retained intron. Not counted in ClinVar's aggregate classification.

Dr. Peter K. Rogan Lab, Western University
No classification provided (evidence only). Condition: Melanoma. Review status: no classification provided. Collection method: in vitro. Allele origin: not applicable. Functional consequence: retained intron. Not counted in ClinVar's aggregate classification.

Dr. Peter K. Rogan Lab, Western University
No classification provided (evidence only). Condition: Melanoma. Review status: no classification provided. Collection method: in vitro. Allele origin: not applicable. Functional consequence: retained intron. Not counted in ClinVar's aggregate classification.

Dr. Peter K. Rogan Lab, Western University
No classification provided (evidence only). Condition: Familial cancer of breast. Review status: no classification provided. Collection method: in vitro. Allele origin: not applicable. Functional consequence: retained intron. Not counted in ClinVar's aggregate classification.

Dr. Peter K. Rogan Lab, Western University
No classification provided (evidence only). Condition: Colon adenocarcinoma. Review status: no classification provided. Collection method: in vitro. Allele origin: not applicable. Functional consequence: retained intron. Not counted in ClinVar's aggregate classification.

Dr. Peter K. Rogan Lab, Western University
No classification provided (evidence only). Condition: Colorectal cancer. Review status: no classification provided. Collection method: in vitro. Allele origin: not applicable. Functional consequence: retained intron. Not counted in ClinVar's aggregate classification.

Dr. Peter K. Rogan Lab, Western University
No classification provided (evidence only). Condition: Thyroid cancer, nonmedullary, 1. Review status: no classification provided. Collection method: in vitro. Allele origin: not applicable. Functional consequence: retained intron. Not counted in ClinVar's aggregate classification.

Dr. Peter K. Rogan Lab, Western University
No classification provided (evidence only). Condition: Thyroid cancer, nonmedullary, 1. Review status: no classification provided. Collection method: in vitro. Allele origin: not applicable. Functional consequence: retained intron. Not counted in ClinVar's aggregate classification.

Dr. Peter K. Rogan Lab, Western University
No classification provided (evidence only). Condition: Thyroid cancer, nonmedullary, 1. Review status: no classification provided. Collection method: in vitro. Allele origin: not applicable. Functional consequence: retained intron. Not counted in ClinVar's aggregate classification.

Dr. Peter K. Rogan Lab, Western University
No classification provided (evidence only). Condition: Sarcoma. Review status: no classification provided. Collection method: in vitro. Allele origin: not applicable. Functional consequence: retained intron. Not counted in ClinVar's aggregate classification.

Dr. Peter K. Rogan Lab, Western University
No classification provided (evidence only). Condition: Sarcoma. Review status: no classification provided. Collection method: in vitro. Allele origin: not applicable. Functional consequence: retained intron. Not counted in ClinVar's aggregate classification.

Dr. Peter K. Rogan Lab, Western University
No classification provided (evidence only). Condition: Cholangiocarcinoma. Review status: no classification provided. Collection method: in vitro. Allele origin: not applicable. Functional consequence: retained intron. Not counted in ClinVar's aggregate classification.

Dr. Peter K. Rogan Lab, Western University
No classification provided (evidence only). Condition: Ovarian serous cystadenocarcinoma. Review status: no classification provided. Collection method: in vitro. Allele origin: not applicable. Functional consequence: retained intron. Not counted in ClinVar's aggregate classification.

Dr. Peter K. Rogan Lab, Western University
No classification provided (evidence only). Condition: Ovarian serous cystadenocarcinoma. Review status: no classification provided. Collection method: in vitro. Allele origin: not applicable. Functional consequence: retained intron. Not counted in ClinVar's aggregate classification.

Dr. Peter K. Rogan Lab, Western University
No classification provided (evidence only). Condition: Ovarian serous cystadenocarcinoma. Review status: no classification provided. Collection method: in vitro. Allele origin: not applicable. Functional consequence: retained intron. Not counted in ClinVar's aggregate classification.

Dr. Peter K. Rogan Lab, Western University
No classification provided (evidence only). Condition: Ovarian serous cystadenocarcinoma. Review status: no classification provided. Collection method: in vitro. Allele origin: not applicable. Functional consequence: retained intron. Not counted in ClinVar's aggregate classification.

Dr. Peter K. Rogan Lab, Western University
No classification provided (evidence only). Condition: Gastric cancer. Review status: no classification provided. Collection method: in vitro. Allele origin: not applicable. Functional consequence: retained intron. Not counted in ClinVar's aggregate classification.

Dr. Peter K. Rogan Lab, Western University
No classification provided (evidence only). Condition: Gastric cancer. Review status: no classification provided. Collection method: in vitro. Allele origin: not applicable. Functional consequence: retained intron. Not counted in ClinVar's aggregate classification.

Dr. Peter K. Rogan Lab, Western University
No classification provided (evidence only). Condition: Gastric cancer. Review status: no classification provided. Collection method: in vitro. Allele origin: not applicable. Functional consequence: retained intron. Not counted in ClinVar's aggregate classification.

Dr. Peter K. Rogan Lab, Western University
No classification provided (evidence only). Condition: Malignant tumor of esophagus. Review status: no classification provided. Collection method: in vitro. Allele origin: not applicable. Functional consequence: retained intron. Not counted in ClinVar's aggregate classification.